The following is an entry in ClinVar:

ClinVar aggregate classification (germline): Benign. Review status: criteria provided, multiple submitters, no conflicts (2 of 4 stars). 7 submissions from 7 submitters: Benign (7). Last evaluated 2026-02-03.

Allele frequency attached by ClinVar (database versions not stated): gnomAD 0.23044 and 0.23935; ExAC 0.14678; 1000 Genomes Project 0.22684; TOPMed 0.24404; 1000 Genomes Project 30x 0.23798; gnomAD exomes 0.13654; ESP Exome Variant Server 0.25965.
gnomAD v4.1: 229,785 of 1,613,494 alleles (14%); highest among the groups gnomAD compares: African/African-American, 53%; 23,097 homozygotes.

Submissions (7):

Labcorp Genetics (formerly Invitae), Labcorp
Classification: Benign. Last evaluated: 2026-02-03. Review status: criteria provided, single submitter. Criteria: Invitae Variant Classification Sherloc (09022015). Collection method: clinical testing. Allele origin: germline.

Mayo Clinic Laboratories, Mayo Clinic
Classification: Benign. Last evaluated: 2020-10-20. Review status: criteria provided, single submitter. Criteria: ACMG Guidelines, 2015. Collection method: clinical testing. Allele origin: germline. Observed: 39 variant alleles.

GeneDx
Classification: Benign. Last evaluated: 2017-05-09. Review status: criteria provided, single submitter. Criteria: GeneDx Variant Classification (06012015). Collection method: clinical testing. Allele origin: germline. Affected: yes.
Comment: This variant is considered likely benign or benign based on one or more of the following criteria: it is a conservative change, it occurs at a poorly conserved position in the protein, it is predicted to be benign by multiple in silico algorithms, and/or has population frequency not consistent with disease.

Eurofins Ntd Llc (ga)
Classification: Benign. Last evaluated: 2016-02-26. Review status: criteria provided, single submitter. Criteria: EGL Classification Definitions 2015. Collection method: clinical testing. Allele origin: germline. Observed: 1 variant allele, 1 heterozygote.

Laboratory for Molecular Medicine, Mass General Brigham Personalized Medicine
Classification: Benign. Last evaluated: 2012-05-07. Review status: criteria provided, single submitter. Criteria: LMM Criteria. Collection method: clinical testing. Allele origin: germline. Observed: 463 variant alleles.
Comment: "Leu92Leu in Exon 02 of GIPC3: This variant is not expected to have clinical sig nificance because it does not alter an amino acid residue, is not located within the splice consensus sequence, and has been identified in 48.7% (1820/3738) of African American chromosomes from a broad population by the NHLBI Exome Sequenci ng Project (dbSNP rs8113232)."

Breakthrough Genomics
Classification: Benign. Review status: criteria provided, single submitter. Criteria: ACMG Guidelines, 2015. Collection method: not provided. Allele origin: germline. Inheritance: Autosomal recessive inheritance. Affected: yes.

PreventionGenetics, part of Exact Sciences
Classification: Benign. Review status: criteria provided, single submitter. Criteria: ACMG Guidelines, 2015. Collection method: clinical testing. Allele origin: germline.

NM_133261.3(GIPC3):c.276G>A (p.Leu92=)

Gene: GIPC3 (GIPC PDZ domain containing family member 3; plus strand). Cytogenetic location: 19p13.3.
Variant type: single nucleotide variant.
Coding change: c.276G>A on transcript NM_133261.3 (MANE Select); coding-DNA position 276, G replaced by A.
Protein change: p.Leu92=; no amino-acid change (leucine 92 retained).
Molecular consequence: synonymous variant.
Genome position (GRCh38, 1-based): chr19:3,586,545, G>A. VCF-style: chr19-3586545-G-A. GRCh37 (hg19) VCF-style: chr19-3586543-G-A.
Other names: p.Leu92=.
Identifiers: ClinVar variation 46571 (VCV000046571.18), dbSNP rs8113232, ClinGen allele CA138639.